The following is an entry in ClinVar:

NC_000022.10:g.(?_24133933)_(24176377_?)dup

Gene: SMARCB1 (SWI/SNF related BAF chromatin remodeling complex subunit B1; plus strand). Cytogenetic location: 22q11.23.
Variant type: Duplication.
Identifiers: ClinVar variation 584331 (VCV000584331.2).

ClinVar aggregate classification (germline): Uncertain significance (1 of 4 stars; one submission).

Submission:

Labcorp Genetics (formerly Invitae), Labcorp
Classification: Uncertain significance. Last evaluated: 2019-01-23. Review status: criteria provided, single submitter. Criteria: Invitae Variant Classification Sherloc (09022015). Collection method: clinical testing. Allele origin: germline.
Comment: A gross duplication of the genomic region encompassing nearly the full coding sequence of the SMARCB1 gene has been identified. The 5' breakpoint is located at the c.5 position in exon 1, which affects the second methionine among four consecutive initiator methionines. The 3' boundary of this event may extend beyond the assayed region for this gene and therefore may encompass additional genes. The duplicated copy of this region is in tandem. This gross duplication has not been reported in the literature in individuals with a SMARCB1-related disease. Experimental studies and prediction algorithms are not available for this variant, and the functional significance of the duplicated region is currently unknown. In summary, the available evidence is currently insufficient to determine the role of this variant in disease. Therefore, it has been classified as a Variant of Uncertain Significance.